The following is an entry in ClinVar:

NM_001142800.2(EYS):c.4606C>G (p.Gln1536Glu)

Gene: EYS (EGF-like photoreceptor maintenance factor; minus strand). Cytogenetic location: 6q12.
Variant type: single nucleotide variant.
Coding change: c.4606C>G on transcript NM_001142800.2 (MANE Select); coding-DNA position 4606, C replaced by G.
Protein change: p.Gln1536Glu; replaces glutamine 1536 with glutamic acid.
Molecular consequence: missense variant.
Genome position (GRCh38, 1-based): chr6:64,591,261, G>C on the plus strand (C>G on the coding strand, the complement: EYS is on the minus strand). VCF-style: chr6-64591261-G-C. GRCh37 (hg19) VCF-style: chr6-65301154-G-C.
Other names: c.4606C>G, p.Gln1536Glu (NM_001292009.2); short protein forms Q1536E.
Identifiers: ClinVar variation 1343524 (VCV001343524.4), dbSNP rs557152369, ClinGen allele CA3877066.
Genomic context (GRCh38, chr6:64,591,261, plus strand): 5'-ATGTTTGGCTTAATTCTCTTAAAGAATCAGCAGCCTGTGATTTGATGTTTGTGAGTCTCT[G>C]GTTGCTTGAAGCCTCAGTAATAGCCTGATATTCACTGGGATTGAAGGCTTTTGTACTGAA-3'
Protein context (NP_001136272.1, residues 1526-1546): YQAITEASSN[Gln1536Glu]RLTNIKSQAA

ClinVar aggregate classification (germline): Uncertain significance. Review status: criteria provided, multiple submitters, no conflicts (2 of 4 stars). 3 submissions from 3 submitters: Uncertain significance (3). Last evaluated 2026-05-18.

Conditions:
EYS-related disorder. Also called: EYS-related condition.

Allele frequency attached by ClinVar (database versions not stated): 1000 Genomes Project 30x 0.00031; 1000 Genomes Project 0.00040.
gnomAD v4.1: 105 of 1,551,384 alleles (0.0068%); highest among the groups gnomAD compares: South Asian, 0.11%; no homozygotes.

Submissions (3):

Women's Health and Genetics/Laboratory Corporation of America, LabCorp
Classification: Uncertain significance. Last evaluated: 2026-05-18. Review status: criteria provided, single submitter. Criteria: LabCorp Variant Classification Summary - May 2015. Collection method: clinical testing. Allele origin: germline.
Comment: Variant summary: EYS c.4606C>G (p.Gln1536Glu) results in a conservative amino acid change in the encoded protein sequence. Algorithms developed to predict the effect of missense changes on protein structure and function all suggest that this variant is likely to be tolerated. The variant allele was found at a frequency of 0.00012 in 153692 control chromosomes. This frequency is not significantly higher than estimated for disease-causing variants in EYS, allowing no conclusion about variant significance. c.4606C>G has been observed in individual(s) affected with retinitis pigmentosa (e.g. Di_2016). These report(s) do not provide unequivocal conclusions about association of the variant with disease. To our knowledge, no experimental evidence demonstrating an impact on protein function has been reported. The following publication has been ascertained in the context of this evaluation (PMID: 26787102). ClinVar contains an entry for this variant (Variation ID: 1343524). Based on the evidence outlined above, the variant was classified as uncertain significance.

PreventionGenetics, part of Exact Sciences
Classification: Uncertain significance for EYS-related condition. Last evaluated: 2024-10-17. Review status: criteria provided, single submitter. Criteria: ACMG Guidelines, 2015. Collection method: clinical testing. Allele origin: germline.
Comment: The EYS c.4606C>G variant is predicted to result in the amino acid substitution p.Gln1536Glu. This variant was reported in the compound heterozygous state in an individual with retinitis pigmentosa (Di et al. 2016. PubMed ID: 26787102). This variant is reported in 0.083% of alleles in individuals of South Asian descent in gnomAD. At this time, the clinical significance of this variant is uncertain due to the absence of conclusive functional and genetic evidence.

Blueprint Genetics
Classification: Uncertain significance. Last evaluated: 2021-10-14. Review status: criteria provided, single submitter. Criteria: ACMG Guidelines, 2015. Collection method: clinical testing. Allele origin: germline.

Literature cited by the submitters: PubMed 26787102 (cited by Women's Health and Genetics/Laboratory Corporation of America, LabCorp); PubMed 34426522 (cited by Women's Health and Genetics/Laboratory Corporation of America, LabCorp).